The following is an entry in ClinVar:

NM_017755.6(NSUN2):c.250_251insGGCCGGGCGCGGTGGCTCACGCCTGTAATCCCAGCACTTTGGGAGGCCGAGGCGGGTGGATCATGAGGTCAGNNNNNNNNNNAAAAAAAAAAAAAAAAAAAAAAAAAAAAAAGAATTACTGGTTACA (p.Lys84fs)

Gene: NSUN2 (NOP2/Sun RNA methyltransferase 2; minus strand). Cytogenetic location: 5p15.31.
Variant type: Insertion.
Coding change: c.250_251insGGCCGGGCGCGGTGGCTCACGCCTGTAATCCCAGCACTTTGGGAGGCCGAGGCGGGTGGATCATGAGGTCAGNNNNNNNNNNAAAAAAAAAAAAAAAAAAAAAAAAAAAAAAGAATTACTGGTTACA on transcript NM_017755.6 (MANE Select); coding-DNA positions 250 to 251, GGCCGGGCGCGGTGGCTCACGCCTGTAATCCCAGCACTTTGGGAGGCCGAGGCGGGTGGATCATGAGGTCAGNNNNNNNNNNAAAAAAAAAAAAAAAAAAAAAAAAAAAAAAGAATTACTGGTTACA inserted.
Protein change: p.Lys84fs; shifts the reading frame from lysine 84.
Molecular consequence: frameshift variant. On other transcripts: non-coding transcript variant (1).
Genome position: GRCh38: chr5:6,632,619-6,632,620. GRCh37 (hg19): chr5:6,632,732-6,632,733.
Other names: c.250_251insGGCCGGGCGCGGTGGCTCACGCCTGTAATCCCAGCACTTTGGGAGGCCGAGGCGGGTGGATCATGAGGTCAGNNNNNNNNNNAAAAAAAAAAAAAAAAAAAAAAAAAAAAAAGAATTACTGGTTACA, p.Lys84fs (NM_001193455.2); short protein forms K84fs.
Identifiers: ClinVar variation 4712852 (VCV004712852.1).

ClinVar aggregate classification (germline): Pathogenic (1 of 4 stars; one submission).

Submission:

Labcorp Genetics (formerly Invitae), Labcorp
Classification: Pathogenic. Last evaluated: 2025-02-11. Review status: criteria provided, single submitter. Criteria: Invitae Variant Classification Sherloc (09022015). Collection method: clinical testing. Allele origin: germline.
Comment: This sequence change inserts a large fragment of DNA, likely a transposable element, in exon 2 of the NSUN2 gene (c.250_251ins?), causing a frameshift at codon 84 (p.Lys84fs). The exact size and sequence of the insertion cannot be determined by the current assay. However, the insertion is expected to result in an absent or disrupted protein product. This variant is not present in population databases (gnomAD no frequency). This variant has not been reported in the literature in individuals affected with NSUN2-related conditions. Retrotransposon insertions including LINE1 (L1), Alu, and SVA (SINE-VNTR-Alu) have been reported to be disease-causing through disruption of either a coding region or splice site (PMID: 19763152, 20307669, 22406018) and loss-of-function variants in NSUN2 are known to be pathogenic (PMID: 22541559, 22577224). For these reasons, this variant has been classified as Pathogenic.

Literature cited by the submitters: PubMed 19763152; PubMed 20307669; PubMed 22406018; PubMed 22541559; PubMed 22577224.